The following is an entry in ClinVar:

ClinVar aggregate classification (germline): Uncertain significance (1 of 4 stars; one submission).

Conditions:
Pitt-Hopkins-like syndrome 2 (PTHSL2). Identifiers: Orphanet 221150, Orphanet 600663, MedGen C3280479, MONDO:0013690, OMIM 614325.

Allele frequency attached by ClinVar (database versions not stated): gnomAD 0.00001; TOPMed 0.00001; ExAC 0.00060.

Submission:

Labcorp Genetics (formerly Invitae), Labcorp
Classification: Uncertain significance for Pitt-Hopkins-like syndrome 2. Last evaluated: 2022-07-27. Review status: criteria provided, single submitter. Criteria: Invitae Variant Classification Sherloc (09022015). Collection method: clinical testing. Allele origin: germline.
Comment: This sequence change replaces threonine, which is neutral and polar, with proline, which is neutral and non-polar, at codon 1379 of the NRXN1 protein (p.Thr1379Pro). The frequency data for this variant in the population databases is considered unreliable, as metrics indicate poor data quality at this position in the gnomAD database. This variant has not been reported in the literature in individuals affected with NRXN1-related conditions. ClinVar contains an entry for this variant (Variation ID: 206269). Algorithms developed to predict the effect of missense changes on protein structure and function are either unavailable or do not agree on the potential impact of this missense change (SIFT: "Tolerated"; PolyPhen-2: "Possibly Damaging"; Align-GVGD: "Class C0"). In summary, the available evidence is currently insufficient to determine the role of this variant in disease. Therefore, it has been classified as a Variant of Uncertain Significance.

NM_001330078.2(NRXN1):c.4015A>C (p.Thr1339Pro)

Gene: NRXN1 (neurexin 1; minus strand). Cytogenetic location: 2p16.3.
Variant type: single nucleotide variant.
Coding change: c.4015A>C on transcript NM_001330078.2 (MANE Select); coding-DNA position 4015, A replaced by C.
Protein change: p.Thr1339Pro; replaces threonine 1339 with proline.
Molecular consequence: missense variant.
Genome position (GRCh38, 1-based): chr2:50,053,384, T>G on the plus strand (A>C on the coding strand, the complement: NRXN1 is on the minus strand). VCF-style: chr2-50053384-T-G. GRCh37 (hg19) VCF-style: chr2-50280522-T-G.
Other names: c.4135A>C, p.Thr1379Pro (NM_001135659.3); c.3991A>C, p.Thr1331Pro (NM_001330077.2, NM_001330082.2); c.3859A>C, p.Thr1287Pro (NM_001330083.2); c.3949A>C, p.Thr1317Pro (NM_001330084.2); c.3988A>C, p.Thr1330Pro (NM_001330085.2); c.4015A>C, p.Thr1339Pro (NM_001330086.2); c.3814A>C, p.Thr1272Pro (NM_001330087.2, NM_001330096.2); c.3844A>C, p.Thr1282Pro (NM_001330088.2); and 6 more; short protein forms T1379P, T1331P, T1272P, T1287P, T274P, T304P, T1282P, T1330P.
Identifiers: ClinVar variation 206269 (VCV000206269.8), dbSNP rs77665267, ClinGen allele CA316185.